The following is an entry in ClinVar:

ClinVar aggregate classification (germline): Pathogenic/Likely pathogenic. Review status: criteria provided, multiple submitters, no conflicts (2 of 4 stars). 6 submissions from 6 submitters: Pathogenic (3); Likely pathogenic (3). Last evaluated 2026-03-01.

Conditions:
HGSNAT-related disorders.
Mucopolysaccharidosis, MPS-III-C (MPS3C). Also called: Mucopolysaccharidosis type IIIC (Sanfilippo C); MUCOPOLYSACCHARIDOSIS, TYPE IIIC; MPS III C; mucopolysaccharidosis type 3C; SANFILIPPO SYNDROME C; MPS IIIC (Sanfilippo Syndrome Type C). Identifiers: Orphanet 581, Orphanet 79271, MedGen C0086649, MONDO:0009657, OMIM 252930.
Retinitis pigmentosa 73 (RP73). Identifiers: Orphanet 791, MedGen C4225287, MONDO:0014687, OMIM 616544.

Allele frequency attached by ClinVar (database versions not stated): gnomAD exomes below 0.00001; ExAC 0.00001.
gnomAD v4.1: 5 of 1,613,916 alleles (0.00031%); highest among the groups gnomAD compares: Admixed American, 0.0017%; no homozygotes.

Submissions (6):

CeGaT Center for Human Genetics Tuebingen
Classification: Pathogenic. Last evaluated: 2026-03-01. Review status: criteria provided, single submitter. Criteria: CeGaT Center For Human Genetics Tuebingen Variant Classification Criteria Version 2. Collection method: clinical testing. Allele origin: germline. Affected: yes. Observed: 2 variant alleles.
Comment: HGSNAT: PVS1, PM3:Strong, PM2

Labcorp Genetics (formerly Invitae), Labcorp
Classification: Pathogenic for Retinitis pigmentosa 73; Mucopolysaccharidosis, MPS-III-C. Last evaluated: 2025-02-24. Review status: criteria provided, single submitter. Criteria: Invitae Variant Classification Sherloc (09022015). Collection method: clinical testing. Allele origin: germline.
Comment: This sequence change creates a premature translational stop signal (p.Arg351*) in the HGSNAT gene. It is expected to result in an absent or disrupted protein product. Loss-of-function variants in HGSNAT are known to be pathogenic (PMID: 17033958, 19479962). This variant is present in population databases (rs756420301, gnomAD 0.003%). This variant has not been reported in the literature in individuals affected with HGSNAT-related conditions. ClinVar contains an entry for this variant (Variation ID: 935752). For these reasons, this variant has been classified as Pathogenic.

Natera, Inc.
Classification: Likely pathogenic for Mucopolysaccharidosis type IIIC. Last evaluated: 2024-10-11. Review status: criteria provided, single submitter. Criteria: Natera Variant Classification Schema (03/2026). Collection method: clinical testing. Allele origin: germline.
Comment: The c.1051C>T variant in HGSNAT is a nonsense variant predicted to introduce a stop codon at amino acid 351. This variant is expected to result in nonsense mediated decay, truncation, or a dysfunctional protein product. This variant is rare in the general population with a frequency below the threshold expected for the associated phenotype(s). Given the available evidence, this variant is classified as Likely Pathogenic.

Blueprint Genetics
Classification: Likely pathogenic for HGSNAT-related disorders. Last evaluated: 2024-05-22. Review status: criteria provided, single submitter. Criteria: ACMG Guidelines, 2015. Collection method: clinical testing. Allele origin: germline. Affected: yes. Observed: 2 variant alleles.

Fulgent Genetics
Classification: Likely pathogenic for Mucopolysaccharidosis, MPS-III-C; Retinitis pigmentosa 73. Last evaluated: 2024-03-09. Review status: criteria provided, single submitter. Criteria: ACMG Guidelines, 2015. Collection method: clinical testing. Allele origin: germline.

Laboratory of Medical Genetics, National & Kapodistrian University of Athens
Classification: Pathogenic for Mucopolysaccharidosis, MPS-III-C. Last evaluated: 2024-02-01. Review status: criteria provided, single submitter. Criteria: ACMG Guidelines, 2015. Collection method: curation. Allele origin: germline. Affected: no.

Literature cited by the submitters: PubMed 17033958 (cited by Labcorp Genetics (formerly Invitae), Labcorp); PubMed 19479962 (cited by Labcorp Genetics (formerly Invitae), Labcorp).

NM_152419.3(HGSNAT):c.1051C>T (p.Arg351Ter)

Gene: HGSNAT (heparan-alpha-glucosaminide N-acetyltransferase; plus strand). Cytogenetic location: 8p11.21.
Variant type: single nucleotide variant.
Coding change: c.1051C>T on transcript NM_152419.3 (MANE Select); coding-DNA position 1051, C replaced by T.
Protein change: p.Arg351Ter; replaces arginine 351 with a stop codon.
Molecular consequence: nonsense.
Genome position (GRCh38, 1-based): chr8:43,182,183, C>T. VCF-style: chr8-43182183-C-T. GRCh37 (hg19) VCF-style: chr8-43037326-C-T.
Other names: c.1051C>T, p.Arg351Ter (NM_001363227.2); c.859C>T, p.Arg287Ter (NM_001363228.2); c.187C>T, p.Arg63Ter (NM_001363229.2); short protein forms R63*, R287*, R351*.
Identifiers: ClinVar variation 935752 (VCV000935752.14), dbSNP rs756420301, ClinGen allele CA4736739.